The following is an entry in ClinVar:

ClinVar aggregate classification (germline): Uncertain significance. Review status: criteria provided, multiple submitters, no conflicts (2 of 4 stars). 3 submissions from 3 submitters: Uncertain significance (3). Last evaluated 2026-01-02.

Conditions:
Atypical hemolytic-uremic syndrome with C3 anomaly. Also called: AHUS, SUSCEPTIBILITY TO, 5. Identifiers: Orphanet 2134, MedGen C2752037, MONDO:0013043, OMIM 612925.
Age related macular degeneration 9. Identifiers: MedGen C1969651, MONDO:0012659, OMIM 611378.
Complement component 3 deficiency. Identifiers: Orphanet 280133, MedGen C3151071, MONDO:0013417, OMIM 613779.

Allele frequency attached by ClinVar (database versions not stated): gnomAD exomes 0.00004 and 0.00006; ExAC 0.00005.
gnomAD v4.1: 64 of 1,613,726 alleles (0.004%); highest among the groups gnomAD compares: South Asian, 0.013%; no homozygotes.

Submissions (3):

Labcorp Genetics (formerly Invitae), Labcorp
Classification: Uncertain significance. Last evaluated: 2026-01-02. Review status: criteria provided, single submitter. Criteria: Invitae Variant Classification Sherloc (09022015). Collection method: clinical testing. Allele origin: germline.
Comment: This sequence change replaces valine, which is neutral and non-polar, with isoleucine, which is neutral and non-polar, at codon 188 of the C3 protein (p.Val188Ile). This variant is present in population databases (rs765821415, gnomAD 0.02%). This variant has not been reported in the literature in individuals affected with C3-related conditions. ClinVar contains an entry for this variant (Variation ID: 1058561). Invitae Evidence Modeling of protein sequence and biophysical properties (such as structural, functional, and spatial information, amino acid conservation, physicochemical variation, residue mobility, and thermodynamic stability) indicates that this missense variant is not expected to disrupt C3 protein function with a negative predictive value of 80%. In summary, the available evidence is currently insufficient to determine the role of this variant in disease. Therefore, it has been classified as a Variant of Uncertain Significance.

Fulgent Genetics
Classification: Uncertain significance for Age related macular degeneration 9; Atypical hemolytic-uremic syndrome with C3 anomaly; Complement component 3 deficiency. Last evaluated: 2024-04-04. Review status: criteria provided, single submitter. Criteria: ACMG Guidelines, 2015. Collection method: clinical testing. Allele origin: germline.

Mayo Clinic Laboratories, Mayo Clinic
Classification: Uncertain significance. Last evaluated: 2021-04-12. Review status: criteria provided, single submitter. Criteria: ACMG Guidelines, 2015. Collection method: clinical testing. Allele origin: germline.

NM_000064.4(C3):c.562G>A (p.Val188Ile)

Gene: C3 (complement C3; minus strand). Cytogenetic location: 19p13.3.
Variant type: single nucleotide variant.
Coding change: c.562G>A on transcript NM_000064.4 (MANE Select); coding-DNA position 562, G replaced by A.
Protein change: p.Val188Ile; replaces valine 188 with isoleucine.
Molecular consequence: missense variant.
Genome position (GRCh38, 1-based): chr19:6,714,389, C>T on the plus strand (G>A on the coding strand, the complement: C3 is on the minus strand). VCF-style: chr19-6714389-C-T. GRCh37 (hg19) VCF-style: chr19-6714400-C-T.
Other names: p.Val188Ile; short protein forms V188I.
Identifiers: ClinVar variation 1058561 (VCV001058561.13), dbSNP rs765821415, ClinGen allele CA9129776.
Genomic context (GRCh38, chr19:6,714,389, plus strand): 5'-CCCTCCTCAAGAACCTGACATACTTGACGAGTTCCGGAATGTCCCAAGACAAGGGCAAGA[C>T]GCCAAGCTGGTTCTGAGAAGACAAGGAGTCCTGCTTGACCGGGATGCCTTCCGGGTTCTG-3'
Protein context (NP_000055.2, residues 178-198): DSLSSQNQLG[Val188Ile]LPLSWDIPEL